The following is an entry in ClinVar:

ClinVar aggregate classification (germline): Uncertain significance (1 of 4 stars; one submission).

Submission:

GeneDx
Classification: Uncertain significance. Last evaluated: 2024-12-06. Review status: criteria provided, single submitter. Criteria: GeneDx Variant Classification Process June 2021. Collection method: clinical testing. Allele origin: germline. Affected: yes.
Comment: Not observed at significant frequency in large population cohorts (gnomAD); In silico analysis supports that this missense variant has a deleterious effect on protein structure/function; Has not been previously published as pathogenic or benign to our knowledge

NM_001372066.1(TFAP2A):c.1158C>A (p.His386Gln)

Gene: TFAP2A (transcription factor AP-2 alpha; minus strand). Cytogenetic location: 6p24.3.
Variant type: single nucleotide variant.
Coding change: c.1158C>A on transcript NM_001372066.1 (MANE Select); coding-DNA position 1158, C replaced by A.
Protein change: p.His386Gln; replaces histidine 386 with glutamine.
Molecular consequence: missense variant.
Genome position (GRCh38, 1-based): chr6:10,398,579, G>T on the plus strand (C>A on the coding strand, the complement: TFAP2A is on the minus strand). VCF-style: chr6-10398579-G-T. GRCh37 (hg19) VCF-style: chr6-10398812-G-T.
Other names: c.1134C>A, p.His378Gln (NM_001032280.3); c.1140C>A, p.His380Gln (NM_001042425.3); short protein forms H378Q, H380Q, H386Q.
Identifiers: ClinVar variation 3901596 (VCV003901596.1).